The following is an entry in ClinVar:

NM_001042517.2(DIAPH3):c.438G>A (p.Lys146=)

Gene: DIAPH3 (diaphanous related formin 3; minus strand). Cytogenetic location: 13q21.2.
Variant type: single nucleotide variant.
Coding change: c.438G>A on transcript NM_001042517.2 (MANE Select); coding-DNA position 438, G replaced by A.
Protein change: p.Lys146=; no amino-acid change (lysine 146 retained).
Molecular consequence: synonymous variant. On other transcripts: intron variant (1).
Genome position (GRCh38, 1-based): chr13:60,093,685, C>T on the plus strand (G>A on the coding strand, the complement: DIAPH3 is on the minus strand). VCF-style: chr13-60093685-C-T. GRCh37 (hg19) VCF-style: chr13-60667819-C-T.
Other names: c.405G>A, p.Lys135= (NM_001258366.2); c.228G>A, p.Lys76= (NM_001258368.2); c.438G>A, p.Lys146= (NM_001258369.2); c.357+18325G>A (NM_001258367.2).
Identifiers: ClinVar variation 3057461 (VCV003057461.2), dbSNP rs754394849, ClinGen allele CA6997013.

ClinVar aggregate classification (germline): Likely benign (0 of 4 stars; one submission).

Conditions:
DIAPH3-related disorder. Also called: DIAPH3-related condition.

Allele frequency attached by ClinVar (database versions not stated): gnomAD exomes below 0.00001; ExAC 0.00001; gnomAD 0.00001; TOPMed 0.00001.
gnomAD v4.1: 3 of 1,612,804 alleles (0.00019%); highest among the groups gnomAD compares: East Asian, 0.0067%; no homozygotes.

Submission:

PreventionGenetics, part of Exact Sciences
Classification: Likely benign for DIAPH3-related condition. Last evaluated: 2019-03-25. Review status: no assertion criteria provided. Collection method: clinical testing. Allele origin: germline.
Comment: This variant is classified as likely benign based on ACMG/AMP sequence variant interpretation guidelines (Richards et al. 2015 PMID: 25741868, with internal and published modifications).